The following is an entry in ClinVar:

ClinVar aggregate classification (germline): Uncertain significance. Review status: criteria provided, multiple submitters, no conflicts (2 of 4 stars). 2 submissions from 2 submitters: Uncertain significance (2). Last evaluated 2025-11-24.

Conditions:
Cardiovascular phenotype. Identifiers: MedGen CN230736.

Allele frequency attached by ClinVar (database versions not stated): TOPMed 0.00001.
gnomAD v4.1: 1 of 1,614,114 alleles (0.000062%); highest among the groups gnomAD compares: Non-Finnish European, 0.000085%; no homozygotes.

Submissions (2):

Women's Health and Genetics/Laboratory Corporation of America, LabCorp
Classification: Uncertain significance. Last evaluated: 2025-11-24. Review status: criteria provided, single submitter. Criteria: LabCorp Variant Classification Summary - May 2015. Collection method: clinical testing. Allele origin: germline.
Comment: Variant summary: JUP c.152G>T (p.Arg51Leu) results in a non-conservative amino acid change in the encoded protein sequence. Algorithms developed to predict the effect of missense changes on protein structure and function are either unavailable or do not agree on the potential impact of this missense change. The variant was absent in 251302 control chromosomes (gnomAD). The available data on variant occurrences in the general population are insufficient to allow any conclusion about variant significance. c.152G>T has been observed in at least one individual affected with Arrhythmogenic Right Ventricular Dysplasia/Cardiomyopathy (Headrick_2019). These reports do not provide unequivocal conclusions about association of the variant with Arrhythmogenic Right Ventricular Dysplasia/Cardiomyopathy. One co-occurrence with another pathogenic variant has been reported (DSP c.478C>T, p.R160X*), providing supporting evidence for a benign role (Headrick_2019). To our knowledge, no experimental evidence demonstrating an impact on protein function has been reported. The following publication have been ascertained in the context of this evaluation (PMID: 30985088). ClinVar contains an entry for this variant (Variation ID: 2448240). Based on the evidence outlined above, the variant was classified as uncertain significance.

Ambry Genetics
Classification: Uncertain significance for Cardiovascular phenotype. Last evaluated: 2023-08-15. Review status: criteria provided, single submitter. Criteria: Ambry Variant Classification Scheme 2023. Collection method: clinical testing. Allele origin: germline.

Literature cited by the submitters: PubMed 30985088 (cited by Women's Health and Genetics/Laboratory Corporation of America, LabCorp).

NM_002230.4(JUP):c.152G>T (p.Arg51Leu)

Gene: JUP (junction plakoglobin; minus strand). Cytogenetic location: 17q21.2.
Variant type: single nucleotide variant.
Coding change: c.152G>T on transcript NM_002230.4 (MANE Select); coding-DNA position 152, G replaced by T.
Protein change: p.Arg51Leu; replaces arginine 51 with leucine.
Molecular consequence: missense variant.
Genome position (GRCh38, 1-based): chr17:41,771,703, C>A on the plus strand (G>T on the coding strand, the complement: JUP is on the minus strand). VCF-style: chr17-41771703-C-A. GRCh37 (hg19) VCF-style: chr17-39927955-C-A.
Other names: c.152G>T, p.Arg51Leu (NM_001352773.2, NM_001352774.2, NM_001352775.2 and 3 more transcripts); short protein forms R51L.
Identifiers: ClinVar variation 2448240 (VCV002448240.3), dbSNP rs571707598, ClinGen allele CA399506777.